The following is an entry in ClinVar:

NM_000090.4(COL3A1):c.2445T>G (p.Pro815=)

Genes: COL3A1 (collagen type III alpha 1 chain; plus strand), LOC126806446 (P300/CBP strongly-dependent group 1 enhancer GRCh37_chr2:189866210-189867409; plus strand). Cytogenetic location: 2q32.2.
Variant type: single nucleotide variant.
Coding change: c.2445T>G on transcript NM_000090.4 (MANE Select); coding-DNA position 2445, T replaced by G.
Protein change: p.Pro815=; no amino-acid change (proline 815 retained).
Molecular consequence: synonymous variant.
Genome position (GRCh38, 1-based): chr2:189,002,351, T>G. VCF-style: chr2-189002351-T-G. GRCh37 (hg19) VCF-style: chr2-189867077-T-G.
Identifiers: ClinVar variation 377718 (VCV000377718.25), dbSNP rs199727625, ClinGen allele CA075347.

ClinVar aggregate classification (germline): Benign/Likely benign. Review status: criteria provided, multiple submitters, no conflicts (2 of 4 stars). 7 submissions from 7 submitters: Benign (4); Likely benign (3). Last evaluated 2026-06-01.

Conditions:
Ehlers-Danlos syndrome, type 4 (EDSVASC). Also called: Ehlers-Danlos Syndrome Type IV; Ehlers-Danlos syndrome vascular type; Ehlers Danlos syndrome, ecchymotic type; Ehlers Danlos syndrome, arterial type; Ehlers Danlos syndrome, Sack-Barabas type. Identifiers: Orphanet 286, MedGen C0268338, MONDO:0017314, OMIM 130050.
Familial thoracic aortic aneurysm and aortic dissection (TAAD). Also called: Thoracic aortic aneurysms and dissections. Identifiers: Orphanet 91387, MedGen C4707243, MONDO:0019625.

Allele frequency attached by ClinVar (database versions not stated): ExAC 0.00002; gnomAD exomes 0.00007 and 0.00023; 1000 Genomes Project 30x 0.00016; 1000 Genomes Project 0.00020; TOPMed 0.00080; gnomAD 0.00100 and 0.00104.
gnomAD v4.1: 249 of 1,613,556 alleles (0.015%); highest among the groups gnomAD compares: Admixed American, 0.4%; 3 homozygotes.

Submissions (7):

CeGaT Center for Human Genetics Tuebingen
Classification: Likely benign. Last evaluated: 2026-06-01. Review status: criteria provided, single submitter. Criteria: CeGaT Center For Human Genetics Tuebingen Variant Classification Criteria Version 2. Collection method: clinical testing. Allele origin: germline. Affected: yes. Observed: 8 variant alleles.
Comment: COL3A1: BP4, BP7

Labcorp Genetics (formerly Invitae), Labcorp
Classification: Likely benign for Ehlers-Danlos syndrome, type 4. Last evaluated: 2026-01-27. Review status: criteria provided, single submitter. Criteria: Invitae Variant Classification Sherloc (09022015). Collection method: clinical testing. Allele origin: germline.

Women's Health and Genetics/Laboratory Corporation of America, LabCorp
Classification: Benign. Last evaluated: 2023-06-18. Review status: criteria provided, single submitter. Criteria: LabCorp Variant Classification Summary - May 2015. Collection method: clinical testing. Allele origin: germline.

CHEO Genetics Diagnostic Laboratory, Children's Hospital of Eastern Ontario
Classification: Benign for Familial thoracic aortic aneurysm and aortic dissection. Last evaluated: 2019-04-04. Review status: criteria provided, single submitter. Criteria: ACMG Guidelines, 2015. Collection method: clinical testing. Allele origin: germline.

Color Diagnostics, LLC DBA Color Health
Classification: Benign for Familial thoracic aortic aneurysm and aortic dissection. Last evaluated: 2019-01-06. Review status: criteria provided, single submitter. Criteria: ACMG Guidelines, 2015. Collection method: clinical testing. Allele origin: germline.

Ambry Genetics
Classification: Likely benign for Familial thoracic aortic aneurysm and aortic dissection. Last evaluated: 2017-03-14. Review status: criteria provided, single submitter. Criteria: Ambry Variant Classification Scheme 2023. Collection method: clinical testing. Allele origin: germline.

GeneDx
Classification: Benign. Last evaluated: 2016-11-30. Review status: criteria provided, single submitter. Criteria: GeneDx Variant Classification (06012015). Collection method: clinical testing. Allele origin: germline. Affected: yes.
Comment: This variant is considered likely benign or benign based on one or more of the following criteria: it is a conservative change, it occurs at a poorly conserved position in the protein, it is predicted to be benign by multiple in silico algorithms, and/or has population frequency not consistent with disease.